The following is an entry in ClinVar:

ClinVar aggregate classification (germline): Likely benign. Review status: criteria provided, single submitter (1 of 4 stars). 2 submissions from 2 submitters: Likely benign (1). 1 of the submissions does not count toward it. Last evaluated 2025-08-07.

Conditions:
PTPRS-related disorder. Also called: PTPRS-related condition.

gnomAD v4.1: 62 of 1,605,528 alleles (0.0039%); highest among the groups gnomAD compares: South Asian, 0.034%; no homozygotes.

Submissions (2):

Ambry Genetics
Classification: Likely benign. Last evaluated: 2025-08-07. Review status: criteria provided, single submitter. Criteria: Ambry Variant Classification Scheme 2023. Collection method: clinical testing. Allele origin: germline.

PreventionGenetics, part of Exact Sciences
Classification: Likely benign for PTPRS-related condition. Last evaluated: 2020-04-20. Review status: no assertion criteria provided. Collection method: clinical testing. Allele origin: germline. Not counted in ClinVar's aggregate classification.
Comment: This variant is classified as likely benign based on ACMG/AMP sequence variant interpretation guidelines (Richards et al. 2015 PMID: 25741868, with internal and published modifications).

NM_002850.4(PTPRS):c.3930C>T (p.Pro1310=)

Gene: PTPRS (protein tyrosine phosphatase receptor type S; minus strand). Cytogenetic location: 19p13.3.
Variant type: single nucleotide variant.
Coding change: c.3930C>T on transcript NM_002850.4 (MANE Select); coding-DNA position 3930, C replaced by T.
Protein change: p.Pro1310=; no amino-acid change (proline 1310 retained).
Molecular consequence: synonymous variant. On other transcripts: intron variant (1).
Genome position (GRCh38, 1-based): chr19:5,218,792, G>A on the plus strand (C>T on the coding strand, the complement: PTPRS is on the minus strand). VCF-style: chr19-5218792-G-A. GRCh37 (hg19) VCF-style: chr19-5218803-G-A.
Other names: c.3864C>T, p.Pro1288= (NM_001394011.1, NM_130854.3); c.3891C>T, p.Pro1297= (NM_001394012.1); c.2637C>T, p.Pro879= (NM_130853.3); c.2649C>T, p.Pro883= (NM_130855.3); c.3858-260C>T (NM_001394013.1).
Identifiers: ClinVar variation 3054369 (VCV003054369.3), dbSNP rs749228586, ClinGen allele CA9109371.